The following is an entry in ClinVar:

ClinVar aggregate classification (germline): Uncertain significance (1 of 4 stars; one submission).

Conditions:
Cardiovascular phenotype. Identifiers: MedGen CN230736.

Submission:

Ambry Genetics
Classification: Uncertain significance for Cardiovascular phenotype. Last evaluated: 2022-06-06. Review status: criteria provided, single submitter. Criteria: Ambry Variant Classification Scheme 2023. Collection method: clinical testing. Allele origin: germline.
Comment: The p.A469P variant (also known as c.1405G>C), located in coding exon 8 of the TBX1 gene, results from a G to C substitution at nucleotide position 1405. The alanine at codon 469 is replaced by proline, an amino acid with highly similar properties. This amino acid position is conserved. In addition, the in silico prediction for this alteration is inconclusive. Since supporting evidence is limited at this time, the clinical significance of this alteration remains unclear.

NM_001379200.1(TBX1):c.1432G>C (p.Ala478Pro)

Gene: TBX1 (T-box transcription factor 1; plus strand). Cytogenetic location: 22q11.21.
Variant type: single nucleotide variant.
Coding change: c.1432G>C on transcript NM_001379200.1 (MANE Select); coding-DNA position 1432, G replaced by C.
Protein change: p.Ala478Pro; replaces alanine 478 with proline.
Molecular consequence: missense variant. On other transcripts: intron variant (2).
Genome position (GRCh38, 1-based): chr22:19,766,784, G>C. VCF-style: chr22-19766784-G-C. GRCh37 (hg19) VCF-style: chr22-19754307-G-C.
Other names: c.1405G>C, p.Ala469Pro (NM_080647.1); c.1009+782G>C (NM_005992.1, NM_080646.2); short protein forms A469P, A478P.
Identifiers: ClinVar variation 1771893 (VCV001771893.2), dbSNP rs2517859643, ClinGen allele CA410685477.